The following is an entry in ClinVar:

ClinVar aggregate classification (germline): Uncertain significance (1 of 4 stars; one submission).

Conditions:
Hereditary cancer-predisposing syndrome. Also called: Neoplastic Syndromes, Hereditary; Tumor predisposition; Hereditary neoplastic syndrome; Hereditary Cancer Syndrome. Identifiers: Orphanet 140162, MedGen C0027672, MeSH D009386, MONDO:0015356.

Allele frequency attached by ClinVar (database versions not stated): gnomAD exomes 0.00001.
gnomAD v4.1: 15 of 1,574,176 alleles (0.00095%); highest among the groups gnomAD compares: Non-Finnish European, 0.0013%; no homozygotes.

Submission:

Ambry Genetics
Classification: Uncertain significance for Hereditary cancer-predisposing syndrome. Last evaluated: 2022-02-25. Review status: criteria provided, single submitter. Criteria: Ambry Variant Classification Scheme 2023. Collection method: clinical testing. Allele origin: germline.
Comment: The c.663-23T>G intronic alteration consists of a T to G substitution 23 nucleotides before coding exon 6 in the ATM gene. Based on insufficient or conflicting evidence, the clinical significance of this alteration remains unclear.

NM_000051.4(ATM):c.663-23T>G

Gene: ATM (ATM serine/threonine kinase; plus strand). Cytogenetic location: 11q22.3.
Variant type: single nucleotide variant.
Coding change: c.663-23T>G on transcript NM_000051.4 (MANE Select); 23 bases into the intron before coding-DNA position 663, T replaced by G.
Molecular consequence: intron variant.
Genome position (GRCh38, 1-based): chr11:108,244,765, T>G. VCF-style: chr11-108244765-T-G. GRCh37 (hg19) VCF-style: chr11-108115492-T-G.
Other names: c.663-23T>G (NM_001351834.2).
Identifiers: ClinVar variation 3131078 (VCV003131078.1), dbSNP rs2497145692, ClinGen allele CA2574970554.